The following is an entry in ClinVar:

NM_001165963.4(SCN1A):c.3879+5G>C

Genes: SCN1A (sodium voltage-gated channel alpha subunit 1; minus strand), LOC102724058 (uncharacterized LOC102724058; plus strand). Cytogenetic location: 2q24.3.
Variant type: single nucleotide variant.
Coding change: c.3879+5G>C on transcript NM_001165963.4 (MANE Select); 5 bases into the intron after coding-DNA position 3879, G replaced by C.
Molecular consequence: intron variant.
Genome position (GRCh38, 1-based): chr2:166,012,104, C>G on the plus strand (G>C on the coding strand, the complement: SCN1A is on the minus strand). VCF-style: chr2-166012104-C-G. GRCh37 (hg19) VCF-style: chr2-166868614-C-G.
Other names: c.3846+5G>C (NM_001353949.2, NM_001353950.2, NM_001353951.2 and 2 more transcripts); c.3795+5G>C (NM_001353958.2, NM_001353957.2, NM_001165964.3); c.3879+5G>C (NM_001202435.3, NM_001353948.2); c.3843+5G>C (NM_001353955.2, NM_001353954.2); c.3792+5G>C (NM_001353960.2); c.1437+5G>C (NM_001353961.2).
Identifiers: ClinVar variation 1995328 (VCV001995328.4), dbSNP rs796052999, ClinGen allele CA2580064304.
Genomic context (GRCh38, chr2:166,012,104, plus strand): 5'-GTAGAATTTGAATATAAATAAGACAAGCTACCTTGAACAGAGACAAAAATATGAACGATA[C>G]CTACATCAACAATTAAGAAGTCCAGCCAACACCAGGCATTGGTGAAATATGTTTGATAGC-3'

ClinVar aggregate classification (germline): Pathogenic (1 of 4 stars; one submission).

Conditions:
Early-infantile DEE. Also called: Ohtahara syndrome; Early infantile epileptic encephalopathy; Early infantile epileptic encephalopathy with suppression bursts. Identifiers: Orphanet 1934, MedGen C0393706, MONDO:0800491.

Submission:

Labcorp Genetics (formerly Invitae), Labcorp
Classification: Pathogenic for Early-infantile DEE. Last evaluated: 2022-10-25. Review status: criteria provided, single submitter. Criteria: Invitae Variant Classification Sherloc (09022015). Collection method: clinical testing. Allele origin: germline.
Comment: For these reasons, this variant has been classified as Pathogenic. This variant disrupts the c.3879+5G nucleotide in the SCN1A gene. Other variant(s) that disrupt this nucleotide have been determined to be pathogenic (PMID: 34338318). This suggests that this nucleotide is clinically significant, and that variants that disrupt this position are likely to be disease-causing. Variants that disrupt the consensus splice site are a relatively common cause of aberrant splicing (PMID: 17576681, 9536098). Algorithms developed to predict the effect of sequence changes on RNA splicing suggest that this variant may disrupt the consensus splice site. This variant has been observed in individual(s) with epilepsy (Invitae). In at least one individual the variant was observed to be de novo. This variant is not present in population databases (gnomAD no frequency). This sequence change falls in intron 19 of the SCN1A gene. It does not directly change the encoded amino acid sequence of the SCN1A protein. It affects a nucleotide within the consensus splice site.

Literature cited by the submitters: PubMed 34338318; PubMed 17576681; PubMed 9536098.